The following is an entry in ClinVar:

NM_001372.4(DNAH9):c.14_34del (p.Glu5_Ala11del)

Gene: DNAH9 (dynein axonemal heavy chain 9; plus strand). Cytogenetic location: 17p12.
Variant type: Deletion.
Coding change: c.14_34del on transcript NM_001372.4 (MANE Select); coding-DNA positions 14 to 34, 21 bases deleted (AGGAGCGGGCCGCGCTCGCGG).
Protein change: p.Glu5_Ala11del.
Molecular consequence: inframe deletion.
Genome position (GRCh38, 1-based): chr17:11,598,512-11,598,532, AGGAGCGGGCCGCGCTCGCGG deleted; deleting any 21 consecutive bases within chr17:11,598,504-11,598,532 gives the same sequence; the c. name uses the placement nearest the transcript's 3' end. VCF-style (leftmost placement, unchanged base first): chr17-11598503-GGCTCGCGGAGGAGCGGGCCGC-G. GRCh37 (hg19) VCF-style: chr17-11501820-GGCTCGCGGAGGAGCGGGCCGC-G.
Identifiers: ClinVar variation 1525609 (VCV001525609.3), dbSNP rs1414498654, ClinGen allele CA726062640.

ClinVar aggregate classification (germline): Uncertain significance (1 of 4 stars; one submission).

Submission:

Labcorp Genetics (formerly Invitae), Labcorp
Classification: Uncertain significance. Last evaluated: 2022-08-23. Review status: criteria provided, single submitter. Criteria: Invitae Variant Classification Sherloc (09022015). Collection method: clinical testing. Allele origin: germline.
Comment: This variant, c.14_34del, results in the deletion of 7 amino acid(s) of the DNAH9 protein (p.Glu5_Ala11del), but otherwise preserves the integrity of the reading frame. This variant is not present in population databases (gnomAD no frequency). This variant has not been reported in the literature in individuals affected with DNAH9-related conditions. ClinVar contains an entry for this variant (Variation ID: 1525609). Experimental studies and prediction algorithms are not available or were not evaluated, and the functional significance of this variant is currently unknown. In summary, the available evidence is currently insufficient to determine the role of this variant in disease. Therefore, it has been classified as a Variant of Uncertain Significance.